The following is an entry in ClinVar:

NM_015665.6(AAAS):c.508del (p.Leu170fs)

Gene: AAAS (aladin WD repeat nucleoporin; minus strand). Cytogenetic location: 12q13.13.
Variant type: Deletion.
Coding change: c.508del on transcript NM_015665.6 (MANE Select); coding-DNA position 508, one base deleted (C; older notation c.508delC).
Protein change: p.Leu170fs; shifts the reading frame from leucine 170.
Molecular consequence: frameshift variant. On other transcripts: intron variant (1).
Genome position (GRCh38, 1-based): chr12:53,314,788, G deleted on the plus strand (C on the coding strand, the reverse complement: AAAS is on the minus strand); the first of 3 consecutive G bases (chr12:53,314,788-53,314,790); deleting any one gives the same sequence. VCF-style (leftmost placement, unchanged base first): chr12-53314787-AG-A. GRCh37 (hg19) VCF-style: chr12-53708571-AG-A.
Other names: c.446+306del (NM_001173466.2); short protein forms L170fs.
Identifiers: ClinVar variation 2854567 (VCV002854567.3), dbSNP rs2498624394, ClinGen allele CA2739272064.

ClinVar aggregate classification (germline): Pathogenic (1 of 4 stars; one submission).

Submission:

Labcorp Genetics (formerly Invitae), Labcorp
Classification: Pathogenic. Last evaluated: 2023-04-10. Review status: criteria provided, single submitter. Criteria: Invitae Variant Classification Sherloc (09022015). Collection method: clinical testing. Allele origin: germline.
Comment: For these reasons, this variant has been classified as Pathogenic. This variant has not been reported in the literature in individuals affected with AAAS-related conditions. This variant is not present in population databases (gnomAD no frequency). This sequence change creates a premature translational stop signal (p.Leu170Cysfs*2) in the AAAS gene. It is expected to result in an absent or disrupted protein product. Loss-of-function variants in AAAS are known to be pathogenic (PMID: 11159947).

Literature cited by the submitters: PubMed 11159947.